The following is an entry in ClinVar:

NM_001458.5(FLNC):c.1598T>G (p.Phe533Cys)

Gene: FLNC (filamin C; plus strand). Cytogenetic location: 7q32.1.
Variant type: single nucleotide variant.
Coding change: c.1598T>G on transcript NM_001458.5 (MANE Select); coding-DNA position 1598, T replaced by G.
Protein change: p.Phe533Cys; replaces phenylalanine 533 with cysteine.
Molecular consequence: missense variant.
Genome position (GRCh38, 1-based): chr7:128,840,596, T>G. VCF-style: chr7-128840596-T-G. GRCh37 (hg19) VCF-style: chr7-128480650-T-G.
Other names: c.1598T>G, p.Phe533Cys (NM_001127487.2); short protein forms F533C.
Identifiers: ClinVar variation 1970546 (VCV001970546.5), dbSNP rs2536626335, ClinGen allele CA369226576.

ClinVar aggregate classification (germline): Uncertain significance (1 of 4 stars; one submission).

Conditions:
Myofibrillar myopathy 5. Also called: Filaminopathy (type); FILAMINOPATHY, AUTOSOMAL DOMINANT. Identifiers: Orphanet 171445, MedGen C1836050, MONDO:0012289, OMIM 609524.
Distal myopathy with posterior leg and anterior hand involvement. Also called: WILLIAMS DISTAL MYOPATHY. Identifiers: Orphanet 63273, MedGen C3279722, MONDO:0013550, OMIM 614065.
Hypertrophic cardiomyopathy 26. Also called: Cardiomyopathy, familial hypertrophic, 26. Identifiers: Orphanet 75249, MedGen C4310749, MONDO:0014883, OMIM 617047.

Submission:

Labcorp Genetics (formerly Invitae), Labcorp
Classification: Uncertain significance for Distal myopathy with posterior leg and anterior hand involvement; Myofibrillar myopathy 5; Hypertrophic cardiomyopathy 26. Last evaluated: 2025-08-21. Review status: criteria provided, single submitter. Criteria: Invitae Variant Classification Sherloc (09022015). Collection method: clinical testing. Allele origin: germline.
Comment: This sequence change replaces phenylalanine, which is neutral and non-polar, with cysteine, which is neutral and slightly polar, at codon 533 of the FLNC protein (p.Phe533Cys). This variant is not present in population databases (gnomAD no frequency). This variant has not been reported in the literature in individuals affected with FLNC-related conditions. ClinVar contains an entry for this variant (Variation ID: 1970546). Invitae Evidence Modeling of protein sequence and biophysical properties (such as structural, functional, and spatial information, amino acid conservation, physicochemical variation, residue mobility, and thermodynamic stability) has been performed for this missense variant. However, the output from this modeling did not meet the statistical confidence thresholds required to predict the impact of this variant on FLNC protein function. In summary, the available evidence is currently insufficient to determine the role of this variant in disease. Therefore, it has been classified as a Variant of Uncertain Significance.